The following is an entry in ClinVar:

ClinVar aggregate classification (germline): Uncertain significance (1 of 4 stars; one submission).

Conditions:
Vissers-Bodmer syndrome. Identifiers: MedGen C5436647, MONDO:0033618, OMIM 619033.

Submission:

Victorian Clinical Genetics Services, Murdoch Childrens Research Institute
Classification: Uncertain significance for Vissers-Bodmer syndrome. Last evaluated: 2021-05-06. Review status: criteria provided, single submitter. Criteria: ACMG Guidelines, 2015. Collection method: clinical testing. Allele origin: germline. Inheritance: Autosomal dominant inheritance. Affected: yes.
Comment: Based on the classification scheme VCGS_Germline_v1.3.4, this variant is classified as VUS-3B. Following criteria are met: 0102 - Loss of function is a known mechanism of disease in this gene and is associated with Vissers-Bodmer syndrome (MIM#619033). (I) 0107 - This gene is associated with autosomal dominant disease. (I) 0115 - Variants in this gene are known to have variable expressivity (PMID: 32553196). (I) 0200 - Variant is predicted to result in a missense amino acid change from asparagine to histidine. (I) 0251 - This variant is heterozygous. (I) 0301 - Variant is absent from gnomAD (both v2 and v3). (SP) 0309 - An alternative amino acid change at the same position has been observed in gnomAD (v2) (15 heterozygotes, 0 homozygotes). (I) 0502 - Missense variant with conflicting in silico predictions and uninformative conservation. (I) 0604 - Variant is not located in an established domain, motif, hotspot or informative constraint region. (I) 0705 - No comparable missense variants have previous evidence for pathogenicity. (I) 0807 - This variant has no previous evidence of pathogenicity. (I) 0905 - No published segregation evidence has been identified for this variant. (I) 1007 - No published functional evidence has been identified for this variant. (I) 1208 - Inheritance information for this variant is not currently available in this individual. (I) Legend: (SP) - Supporting pathogenic, (I) - Information, (SB) - Supporting benign

Literature cited by the submitters: PubMed 32553196.

NM_016284.5(CNOT1):c.2035A>C (p.Asn679His)

Gene: CNOT1 (CCR4-NOT transcription complex subunit 1; minus strand). Cytogenetic location: 16q21.
Variant type: single nucleotide variant.
Coding change: c.2035A>C on transcript NM_016284.5 (MANE Select); coding-DNA position 2035, A replaced by C.
Protein change: p.Asn679His; replaces asparagine 679 with histidine.
Molecular consequence: missense variant. On other transcripts: non-coding transcript variant (1).
Genome position (GRCh38, 1-based): chr16:58,560,307, T>G on the plus strand (A>C on the coding strand, the complement: CNOT1 is on the minus strand). VCF-style: chr16-58560307-T-G. GRCh37 (hg19) VCF-style: chr16-58594211-T-G.
Other names: c.2035A>C, p.Asn679His (NM_001265612.2, NM_206999.3); short protein forms N679H.
Identifiers: ClinVar variation 1804928 (VCV001804928.1), dbSNP rs1369622321, ClinGen allele CA396133384.
Genomic context (GRCh38, chr16:58,560,307, plus strand): 5'-TAGGAGGACGTCCTTTTGGCATAACTCCAGGTGGTGGTTGTCTGGCCTTATTCATAACAT[T>G]ACTGCAATTGGCTACCATGGTGAGGATAGTTTCTGATAGCTCCTGAGAAACACTCCTAAA-3'
Protein context (NP_057368.3, residues 669-689): TILTMVANCS[Asn679His]VMNKARQPPP